The following is an entry in ClinVar:

ClinVar aggregate classification (germline): Uncertain significance (1 of 4 stars; one submission).

Conditions:
Neuromuscular disease caused by qualitative or quantitative defects of dysferlin. Also called: Dysferlinopathy; Qualitative or quantitative defects of dysferlin. Identifiers: Orphanet 207073, MedGen C2931687, MONDO:0016145.

Submission:

Labcorp Genetics (formerly Invitae), Labcorp
Classification: Uncertain significance for Neuromuscular disease caused by qualitative or quantitative defects of dysferlin. Last evaluated: 2022-12-02. Review status: criteria provided, single submitter. Criteria: Invitae Variant Classification Sherloc (09022015). Collection method: clinical testing. Allele origin: germline.
Comment: In summary, the available evidence is currently insufficient to determine the role of this variant in disease. Therefore, it has been classified as a Variant of Uncertain Significance. Advanced modeling of protein sequence and biophysical properties (such as structural, functional, and spatial information, amino acid conservation, physicochemical variation, residue mobility, and thermodynamic stability) performed at Invitae indicates that this missense variant is not expected to disrupt DYSF protein function. This variant has not been reported in the literature in individuals affected with DYSF-related conditions. This variant is not present in population databases (gnomAD no frequency). This sequence change replaces arginine, which is basic and polar, with glycine, which is neutral and non-polar, at codon 819 of the DYSF protein (p.Arg819Gly).

NM_001130987.2(DYSF):c.2509C>G (p.Arg837Gly)

Gene: DYSF (dysferlin; plus strand). Cytogenetic location: 2p13.2.
Variant type: single nucleotide variant.
Coding change: c.2509C>G on transcript NM_001130987.2 (MANE Select); coding-DNA position 2509, C replaced by G.
Protein change: p.Arg837Gly; replaces arginine 837 with glycine.
Molecular consequence: missense variant.
Genome position (GRCh38, 1-based): chr2:71,564,157, C>G. VCF-style: chr2-71564157-C-G. GRCh37 (hg19) VCF-style: chr2-71791287-C-G.
Other names: c.2458C>G, p.Arg820Gly (NM_001130455.2, NM_001130983.2); c.2413C>G, p.Arg805Gly (NM_001130976.2, NM_001130977.2); c.2455C>G, p.Arg819Gly (NM_001130978.2, NM_003494.4); c.2548C>G, p.Arg850Gly (NM_001130979.2); c.2506C>G, p.Arg836Gly (NM_001130980.2, NM_001130981.2); c.2551C>G, p.Arg851Gly (NM_001130982.2); c.2416C>G, p.Arg806Gly (NM_001130984.2, NM_001130986.2); c.2509C>G, p.Arg837Gly (NM_001130985.2); short protein forms R851G, R819G, R837G, R850G, R805G, R806G, R820G, R836G.
Identifiers: ClinVar variation 1901294 (VCV001901294.5), dbSNP rs371841411, ClinGen allele CA347211512.